The following is an entry in ClinVar:

ClinVar aggregate classification (germline): Uncertain significance (1 of 4 stars; one submission).

Submission:

GeneDx
Classification: Uncertain significance. Last evaluated: 2026-02-20. Review status: criteria provided, single submitter. Criteria: GeneDx Variant Classification Process June 2021. Collection method: clinical testing. Allele origin: germline.
Comment: Not observed at significant frequency in large population cohorts (gnomAD); In silico analysis supports that this missense variant has a deleterious effect on protein structure/function; Has not been previously published as pathogenic or benign to our knowledge

NM_001003699.4(RREB1):c.961T>A (p.Cys321Ser)

Gene: RREB1 (ras responsive element binding protein 1; plus strand). Cytogenetic location: 6p24.3.
Variant type: single nucleotide variant.
Coding change: c.961T>A on transcript NM_001003699.4 (MANE Select); coding-DNA position 961, T replaced by A.
Protein change: p.Cys321Ser; replaces cysteine 321 with serine.
Molecular consequence: missense variant.
Genome position (GRCh38, 1-based): chr6:7,229,060, T>A. VCF-style: chr6-7229060-T-A. GRCh37 (hg19) VCF-style: chr6-7229293-T-A.
Other names: c.961T>A, p.Cys321Ser (NM_001003698.4, NM_001003700.2, NM_001168344.2); short protein forms C321S.
Identifiers: ClinVar variation 5009733 (VCV005009733.1).